The following is an entry in ClinVar:

NM_007294.4(BRCA1):c.5372T>G (p.Val1791Gly)

Gene: BRCA1 (BRCA1 DNA repair associated; minus strand). Cytogenetic location: 17q21.31.
Variant type: single nucleotide variant.
Coding change: c.5372T>G on transcript NM_007294.4 (MANE Select); coding-DNA position 5372, T replaced by G.
Protein change: p.Val1791Gly; replaces valine 1791 with glycine.
Molecular consequence: missense variant. On other transcripts: non-coding transcript variant (1), intron variant (1).
Genome position (GRCh38, 1-based): chr17:43,049,155, A>C on the plus strand (T>G on the coding strand, the complement: BRCA1 is on the minus strand). VCF-style: chr17-43049155-A-C. GRCh37 (hg19) VCF-style: chr17-41201172-A-C.
Other names: c.1982T>G, p.Val661Gly (NM_001408415.1, NM_001408416.1, NM_001408414.1 and 2 more transcripts); c.1946T>G, p.Val649Gly (NM_001408418.1, NM_001408419.1, NM_001408420.1); c.1943T>G, p.Val648Gly (NM_001408421.1, NM_001408422.1, NM_001408423.1 and 1 more transcripts); c.1937T>G, p.Val646Gly (NM_001408434.1, NM_001408435.1, NM_001408436.1 and 10 more transcripts); c.1922T>G, p.Val641Gly (NM_001408454.1, NM_001408455.1, NM_001408456.1 and 3 more transcripts); c.1919T>G, p.Val640Gly (NM_001408458.1, NM_001408459.1, NM_001408460.1 and 7 more transcripts); c.1859T>G, p.Val620Gly (NM_001408476.1, NM_001408475.1); c.1853T>G, p.Val618Gly (NM_001408478.1, NM_001408479.1, NM_001408480.1); and 73 more; short protein forms V1812G, V1744G, V1791G, V687G, V1622G, V1662G, V1678G, V1719G.
Identifiers: ClinVar variation 868035 (VCV000868035.4), dbSNP rs864622244, ClinGen allele CA10590726.

ClinVar aggregate classification (germline): Uncertain significance (1 of 4 stars; one submission).

Conditions:
Hereditary cancer-predisposing syndrome. Also called: Neoplastic Syndromes, Hereditary; Tumor predisposition; Hereditary Cancer Syndrome; Hereditary neoplastic syndrome. Identifiers: Orphanet 140162, MedGen C0027672, MeSH D009386, MONDO:0015356.

Submissions (2):

Ambry Genetics
Classification: Uncertain significance for Hereditary cancer-predisposing syndrome. Last evaluated: 2025-01-15. Review status: criteria provided, single submitter. Criteria: Ambry Variant Classification Scheme 2023. Collection method: clinical testing. Allele origin: germline.
Comment: The p.V1791G variant (also known as c.5372T>G), located in coding exon 20 of the BRCA1 gene, results from a T to G substitution at nucleotide position 5372. The valine at codon 1791 is replaced by glycine, an amino acid with dissimilar properties. One functional study found that this nucleotide substitution is functional in a high throughput genome editing haploid cell survival assay (Findlay GM et al. Nature, 2018 Oct;562:217-222). This amino acid position is highly conserved in available vertebrate species. In addition, this alteration is predicted to be deleterious by in silico analysis. Based on the available evidence, the clinical significance of this variant remains unclear.

Brotman Baty Institute, University of Washington
No classification provided (evidence only). Condition: Breast-ovarian cancer, familial 1. Review status: no classification provided. Collection method: in vitro. Allele origin: not applicable. Functional consequence: functionally_normal. Not counted in ClinVar's aggregate classification.
ClinVar note: "not provided" was previously submitted as the classification for the variant. However, the classification appeared to be based only on an observation of functional data so it was converted to no classification on 2025-07-30.

Literature cited by the submitters: PubMed 30209399 (cited by Ambry Genetics).